The following is an entry in ClinVar:

ClinVar aggregate classification (germline): Uncertain significance (1 of 4 stars; one submission).

gnomAD v4.1: 1 of 1,614,078 alleles (0.000062%); highest among the groups gnomAD compares: African/African-American, 0.0013%; no homozygotes.

Submission:

GeneDx
Classification: Uncertain significance. Last evaluated: 2026-02-13. Review status: criteria provided, single submitter. Criteria: GeneDx Variant Classification Process June 2021. Collection method: clinical testing. Allele origin: germline.
Comment: Not observed at significant frequency in large population cohorts (gnomAD); Nonsense variant predicted to result in protein truncation or nonsense mediated decay in a gene or region of a gene for which loss of function is not a well-established mechanism of disease; Has not been previously published as pathogenic or benign to our knowledge

NM_015915.5(ATL1):c.1162C>T (p.Gln388Ter)

Gene: ATL1 (atlastin GTPase 1; plus strand). Cytogenetic location: 14q22.1.
Variant type: single nucleotide variant.
Coding change: c.1162C>T on transcript NM_015915.5 (MANE Select); coding-DNA position 1162, C replaced by T.
Protein change: p.Gln388Ter; replaces glutamine 388 with a stop codon.
Molecular consequence: nonsense.
Genome position (GRCh38, 1-based): chr14:50,628,073, C>T. VCF-style: chr14-50628073-C-T. GRCh37 (hg19) VCF-style: chr14-51094791-C-T.
Other names: c.1162C>T, p.Gln388Ter (NM_001127713.1, NM_181598.4); short protein forms Q388*.
Identifiers: ClinVar variation 5008863 (VCV005008863.1).